The following is an entry in ClinVar:

NM_000287.4(PEX6):c.655C>T (p.Gln219Ter)

Gene: PEX6 (peroxisomal biogenesis factor 6; minus strand). Cytogenetic location: 6p21.1.
Variant type: single nucleotide variant.
Coding change: c.655C>T on transcript NM_000287.4 (MANE Select); coding-DNA position 655, C replaced by T.
Protein change: p.Gln219Ter; replaces glutamine 219 with a stop codon.
Molecular consequence: nonsense. On other transcripts: non-coding transcript variant (1), intron variant (1).
Genome position (GRCh38, 1-based): chr6:42,978,496, G>A on the plus strand (C>T on the coding strand, the complement: PEX6 is on the minus strand). VCF-style: chr6-42978496-G-A. GRCh37 (hg19) VCF-style: chr6-42946234-G-A.
Other names: c.618+37C>T (NM_001316313.2); short protein forms Q219*.
Identifiers: ClinVar variation 2026064 (VCV002026064.4), dbSNP rs2481277519, ClinGen allele CA364162977.

ClinVar aggregate classification (germline): Pathogenic (1 of 4 stars; one submission).

Conditions:
Peroxisome biogenesis disorder. Identifiers: Orphanet 79189, MedGen C1832200, MONDO:0019234. Disease mechanism: loss of function.

Allele frequency attached by ClinVar (database versions not stated): gnomAD exomes below 0.00001.
gnomAD v4.1: 1 of 1,614,182 alleles (0.000062%); highest among the groups gnomAD compares: African/African-American, 0.0013%; no homozygotes.

Submission:

Labcorp Genetics (formerly Invitae), Labcorp
Classification: Pathogenic for Peroxisome biogenesis disorder. Last evaluated: 2022-08-22. Review status: criteria provided, single submitter. Criteria: Invitae Variant Classification Sherloc (09022015). Collection method: clinical testing. Allele origin: germline.
Comment: For these reasons, this variant has been classified as Pathogenic. This variant has not been reported in the literature in individuals affected with PEX6-related conditions. This variant is not present in population databases (gnomAD no frequency). This sequence change creates a premature translational stop signal (p.Gln219*) in the PEX6 gene. It is expected to result in an absent or disrupted protein product. Loss-of-function variants in PEX6 are known to be pathogenic (PMID: 8670792, 19877282, 21031596).

Literature cited by the submitters: PubMed 8670792; PubMed 19877282; PubMed 21031596.